The following is an entry in ClinVar:

NM_001844.5(COL2A1):c.2377C>T (p.Pro793Ser)

Gene: COL2A1 (collagen type II alpha 1 chain; minus strand). Cytogenetic location: 12q13.11.
Variant type: single nucleotide variant.
Coding change: c.2377C>T on transcript NM_001844.5 (MANE Select); coding-DNA position 2377, C replaced by T.
Protein change: p.Pro793Ser; replaces proline 793 with serine.
Molecular consequence: missense variant.
Genome position (GRCh38, 1-based): chr12:47,981,808, G>A on the plus strand (C>T on the coding strand, the complement: COL2A1 is on the minus strand). VCF-style: chr12-47981808-G-A. GRCh37 (hg19) VCF-style: chr12-48375591-G-A.
Other names: c.2170C>T, p.Pro724Ser (NM_033150.3); short protein forms P724S, P793S.
Identifiers: ClinVar variation 2662625 (VCV002662625.4), dbSNP rs1391341631, ClinGen allele CA384545498.

ClinVar aggregate classification (germline): Uncertain significance. Review status: criteria provided, multiple submitters, no conflicts (2 of 4 stars). 2 submissions from 2 submitters: Uncertain significance (2). Last evaluated 2025-02-09.

Submissions (2):

Labcorp Genetics (formerly Invitae), Labcorp
Classification: Uncertain significance. Last evaluated: 2025-02-09. Review status: criteria provided, single submitter. Criteria: Invitae Variant Classification Sherloc (09022015). Collection method: clinical testing. Allele origin: germline.
Comment: This sequence change replaces proline, which is neutral and non-polar, with serine, which is neutral and polar, at codon 793 of the COL2A1 protein (p.Pro793Ser). This variant is not present in population databases (gnomAD no frequency). This variant has not been reported in the literature in individuals affected with COL2A1-related conditions. ClinVar contains an entry for this variant (Variation ID: 2662625). Invitae Evidence Modeling of protein sequence and biophysical properties (such as structural, functional, and spatial information, amino acid conservation, physicochemical variation, residue mobility, and thermodynamic stability) has been performed for this missense variant. However, the output from this modeling did not meet the statistical confidence thresholds required to predict the impact of this variant on COL2A1 protein function. In summary, the available evidence is currently insufficient to determine the role of this variant in disease. Therefore, it has been classified as a Variant of Uncertain Significance.

GeneDx
Classification: Uncertain significance. Last evaluated: 2023-04-14. Review status: criteria provided, single submitter. Criteria: GeneDx Variant Classification Process June 2021. Collection method: clinical testing. Allele origin: germline. Affected: yes.
Comment: Not observed at significant frequency in large population cohorts (gnomAD); In silico analysis supports that this missense variant has a deleterious effect on protein structure/function; Has not been previously published as pathogenic or benign to our knowledge; Occurs in the triple helical domain at the X position in the canonical Gly-X-Y repeat; although this variant may have an effect on normal protein folding and function, missense substitution at the X position is not a common mechanism of disease (HGMD)